The following is an entry in ClinVar:

ClinVar aggregate classification (germline): Uncertain significance (1 of 4 stars; one submission).

Conditions:
Focal segmental glomerulosclerosis 5 (FSGS5). Identifiers: Orphanet 656, MedGen C2750475, MONDO:0013191, OMIM 613237.
Charcot-Marie-Tooth disease dominant intermediate E. Also called: CHARCOT-MARIE-TOOTH NEUROPATHY WITH FOCAL SEGMENTAL GLOMERULONEPHRITIS. Identifiers: Orphanet 93114, MedGen C4302667, MONDO:0013758, OMIM 614455.

Submission:

Labcorp Genetics (formerly Invitae), Labcorp
Classification: Uncertain significance for Charcot-Marie-Tooth disease dominant intermediate E; Focal segmental glomerulosclerosis 5. Last evaluated: 2023-03-29. Review status: criteria provided, single submitter. Criteria: Invitae Variant Classification Sherloc (09022015). Collection method: clinical testing. Allele origin: germline.
Comment: In summary, the available evidence is currently insufficient to determine the role of this variant in disease. Therefore, it has been classified as a Variant of Uncertain Significance. Advanced modeling of protein sequence and biophysical properties (such as structural, functional, and spatial information, amino acid conservation, physicochemical variation, residue mobility, and thermodynamic stability) performed at Invitae indicates that this missense variant is not expected to disrupt INF2 protein function. ClinVar contains an entry for this variant (Variation ID: 840862). This variant has not been reported in the literature in individuals affected with INF2-related conditions. This variant is not present in population databases (gnomAD no frequency). This sequence change replaces serine, which is neutral and polar, with cysteine, which is neutral and slightly polar, at codon 1188 of the INF2 protein (p.Ser1188Cys).

NM_022489.4(INF2):c.3563C>G (p.Ser1188Cys)

Gene: INF2 (inverted formin 2; plus strand). Cytogenetic location: 14q32.33.
Variant type: single nucleotide variant.
Coding change: c.3563C>G on transcript NM_022489.4 (MANE Select); coding-DNA position 3563, C replaced by G.
Protein change: p.Ser1188Cys; replaces serine 1188 with cysteine.
Molecular consequence: missense variant.
Genome position (GRCh38, 1-based): chr14:104,714,725, C>G. VCF-style: chr14-104714725-C-G. GRCh37 (hg19) VCF-style: chr14-105181062-C-G.
Other names: c.3563C>G, p.Ser1188Cys (NM_001031714.4); short protein forms S1188C.
Identifiers: ClinVar variation 840862 (VCV000840862.9), dbSNP rs201715539, ClinGen allele CA391225218.